The following is an entry in ClinVar:

ClinVar aggregate classification (germline): Likely benign (1 of 4 stars; one submission).

gnomAD v4.1: 4 of 1,576,570 alleles (0.00025%); highest among the groups gnomAD compares: Middle Eastern, 0.033%; no homozygotes.

Submission:

CeGaT Center for Human Genetics Tuebingen
Classification: Likely benign. Last evaluated: 2024-08-01. Review status: criteria provided, single submitter. Criteria: CeGaT Center For Human Genetics Tuebingen Variant Classification Criteria Version 2. Collection method: clinical testing. Allele origin: germline. Affected: yes. Observed: 1 variant allele.
Comment: GATA3: BP4, BP7

NM_001002295.2(GATA3):c.201G>A (p.Ser67=)

Genes: GATA3 (GATA binding protein 3; plus strand), LOC130003278 (ATAC-STARR-seq lymphoblastoid silent region 2118; plus strand). Cytogenetic location: 10p14.
Variant type: single nucleotide variant.
Coding change: c.201G>A on transcript NM_001002295.2 (MANE Select); coding-DNA position 201, G replaced by A.
Protein change: p.Ser67=; no amino-acid change (serine 67 retained).
Molecular consequence: synonymous variant.
Genome position (GRCh38, 1-based): chr10:8,055,856, G>A. VCF-style: chr10-8055856-G-A. GRCh37 (hg19) VCF-style: chr10-8097819-G-A.
Other names: c.201G>A, p.Ser67= (NM_002051.3).
Identifiers: ClinVar variation 3342024 (VCV003342024.16).